The following is an entry in ClinVar:

ClinVar aggregate classification (germline): Uncertain significance (1 of 4 stars; one submission).

Submission:

GeneDx
Classification: Uncertain significance. Last evaluated: 2023-07-07. Review status: criteria provided, single submitter. Criteria: GeneDx Variant Classification Process June 2021. Collection method: clinical testing. Allele origin: germline. Affected: yes.
Comment: Not observed at significant frequency in large population cohorts (gnomAD); In silico analysis supports that this missense variant does not alter protein structure/function; Has not been previously published as pathogenic or benign to our knowledge; Also known as p.(L827M)

NM_001243133.2(NLRP3):c.2479C>A (p.Leu827Met)

Gene: NLRP3 (NLR family pyrin domain containing 3; plus strand). Cytogenetic location: 1q44.
Variant type: single nucleotide variant.
Coding change: c.2479C>A on transcript NM_001243133.2 (MANE Select); coding-DNA position 2479, C replaced by A.
Protein change: p.Leu827Met; replaces leucine 827 with methionine.
Molecular consequence: missense variant.
Genome position (GRCh38, 1-based): chr1:247,434,260, C>A. VCF-style: chr1-247434260-C-A. GRCh37 (hg19) VCF-style: chr1-247597562-C-A.
Other names: c.2479C>A, p.Leu827Met (NM_001079821.3, NM_001127461.3); c.2308C>A, p.Leu770Met (NM_001127462.3, NM_183395.3); c.2485C>A, p.Leu829Met (NM_004895.5); short protein forms L770M, L827M, L829M.
Identifiers: ClinVar variation 3360557 (VCV003360557.1).